The following is an entry in ClinVar:

ClinVar aggregate classification (germline): Uncertain significance (1 of 4 stars; one submission).

Conditions:
Neurofibromatosis, type 1 (NF1). Also called: VON RECKLINGHAUSEN DISEASE; Neurofibromatosis, type I; NEUROFIBROMATOSIS, TYPE I, SOMATIC; Peripheral type neurofibromatosis. Identifiers: Orphanet 636, MedGen C0027831, MONDO:0018975, OMIM 162200. Disease mechanism: loss of function.

Submission:

Labcorp Genetics (formerly Invitae), Labcorp
Classification: Uncertain significance for Neurofibromatosis, type 1. Last evaluated: 2023-09-27. Review status: criteria provided, single submitter. Criteria: Invitae Variant Classification Sherloc (09022015). Collection method: clinical testing. Allele origin: germline.
Comment: Algorithms developed to predict the effect of sequence changes on RNA splicing suggest that this variant may create or strengthen a splice site. In summary, the available evidence is currently insufficient to determine the role of this variant in disease. Therefore, it has been classified as a Variant of Uncertain Significance. This variant has not been reported in the literature in individuals affected with NF1-related conditions. This variant is not present in population databases (gnomAD no frequency). This sequence change affects codon 2311 of the NF1 mRNA. It is a 'silent' change, meaning that it does not change the encoded amino acid sequence of the NF1 protein.

NM_001042492.3(NF1):c.6996A>C (p.Ser2332=)

Gene: NF1 (neurofibromin 1; plus strand). Cytogenetic location: 17q11.2.
Variant type: single nucleotide variant.
Coding change: c.6996A>C on transcript NM_001042492.3 (MANE Select); coding-DNA position 6996, A replaced by C.
Protein change: p.Ser2332=; no amino-acid change (serine 2332 retained).
Molecular consequence: synonymous variant.
Genome position (GRCh38, 1-based): chr17:31,340,579, A>C. VCF-style: chr17-31340579-A-C. GRCh37 (hg19) VCF-style: chr17-29667597-A-C.
Other names: c.6933A>C, p.Ser2311= (NM_000267.4).
Identifiers: ClinVar variation 2763790 (VCV002763790.3), dbSNP rs2151561760, ClinGen allele CA499235279.
Genomic context (GRCh38, chr17:31,340,579, plus strand): 5'-CAAAGCCCTCTTTTGGGTAGCTGTGGCTGTGCTGCAGCTTGATGAGGTCAACTTGTATTC[A>C]GCAGGTACCGCACTTCTTGAACAAAACCTGCATACTTTAGATAGTCTCCGTATATTCAAT-3'
Protein context (NP_001035957.1, residues 2322-2342): VLQLDEVNLY[Ser2332=]AGTALLEQNL